The following is an entry in ClinVar:

ClinVar aggregate classification (germline): Conflicting classifications of pathogenicity. Review status: criteria provided, conflicting classifications (1 of 4 stars). 4 submissions from 4 submitters: Likely pathogenic (2); Uncertain significance (2). Last evaluated 2026-02-23.

Conditions:
Autosomal recessive polycystic kidney disease (ARPKD). Also called: AR polycystic kidney disease. Identifiers: Orphanet 731, Orphanet 8378, MedGen C0085548, MeSH D017044, MONDO:0009889.
Polycystic kidney disease 4 (PKD4). Also called: POLYCYSTIC KIDNEY AND HEPATIC DISEASE 1; POLYCYSTIC KIDNEY DISEASE, INFANTILE, TYPE I; PKD3; Autosomal Recessive Polycystic Kidney Disease – PKHD1; POLYCYSTIC KIDNEY DISEASE 4 WITH OR WITHOUT POLYCYSTIC LIVER DISEASE. Identifiers: MedGen C4540575, MONDO:0033004, OMIM 263200.

Allele frequency attached by ClinVar (database versions not stated): TOPMed below 0.00001.

Submissions (4):

Myriad Genetics, Inc.
Classification: Uncertain significance for Polycystic kidney disease 4. Last evaluated: 2026-02-23. Review status: criteria provided, single submitter. Criteria: Myriad Autosomal Dominant, Autosomal Recessive and X-Linked Classification Criteria (2023). Collection method: clinical testing. Allele origin: unknown.
Comment: NM_138694.3(PKHD1):c.10181G>A(C3394Y) is a missense variant classified as a variant of uncertain significance in the context of autosomal recessive polycystic kidney disease, PKHD1-related. C3394Y has not been observed in cases with relevant disease. Relevant functional assessments of this variant are not available in the literature. C3394Y has not been observed in referenced population frequency databases. In summary, there is insufficient evidence to classify NM_138694.3(PKHD1):c.10181G>A(C3394Y) as pathogenic or benign. Please note: this variant was assessed in the context of healthy population screening.

Women's Health and Genetics/Laboratory Corporation of America, LabCorp
Classification: Uncertain significance. Last evaluated: 2025-07-30. Review status: criteria provided, single submitter. Criteria: LabCorp Variant Classification Summary - May 2015. Collection method: clinical testing. Allele origin: germline.
Comment: Variant summary: PKHD1 c.10181G>A (p.Cys3394Tyr) results in a non-conservative amino acid change in the encoded protein sequence. Algorithms developed to predict the effect of missense changes on protein structure and function all suggest that this variant is likely to be disruptive. The variant was absent in 249210 control chromosomes. The available data on variant occurrences in the general population are insufficient to allow any conclusion about variant significance. To our knowledge, no occurrence of c.10181G>A in individuals affected with Polycystic Kidney And Hepatic Disease and no experimental evidence demonstrating its impact on protein function have been reported. ClinVar contains an entry for this variant (Variation ID: 1683398). Based on the evidence outlined above, the variant was classified as uncertain significance.

GeneDx
Classification: Likely pathogenic. Last evaluated: 2025-02-28. Review status: criteria provided, single submitter. Criteria: GeneDx Variant Classification Process June 2021. Collection method: clinical testing. Allele origin: germline. Affected: yes.
Comment: Not observed at significant frequency in large population cohorts (gnomAD); In silico analysis supports that this missense variant has a deleterious effect on protein structure/function; Has not been previously published as pathogenic or benign to our knowledge

Labcorp Genetics (formerly Invitae), Labcorp
Classification: Likely pathogenic for Autosomal recessive polycystic kidney disease. Last evaluated: 2024-01-14. Review status: criteria provided, single submitter. Criteria: Invitae Variant Classification Sherloc (09022015). Collection method: clinical testing. Allele origin: germline.
Comment: This sequence change replaces cysteine, which is neutral and slightly polar, with tyrosine, which is neutral and polar, at codon 3394 of the PKHD1 protein (p.Cys3394Tyr). This variant is not present in population databases (gnomAD no frequency). This variant has not been reported in the literature in individuals affected with PKHD1-related conditions. ClinVar contains an entry for this variant (Variation ID: 1683398). Advanced modeling of protein sequence and biophysical properties (such as structural, functional, and spatial information, amino acid conservation, physicochemical variation, residue mobility, and thermodynamic stability) performed at Invitae indicates that this missense variant is expected to disrupt PKHD1 protein function with a positive predictive value of 95%. This variant disrupts the p.Cys3394 amino acid residue in PKHD1. Other variant(s) that disrupt this residue have been determined to be pathogenic (PMID: 27225849, 34536170). This suggests that this residue is clinically significant, and that variants that disrupt this residue are likely to be disease-causing. In summary, the currently available evidence indicates that the variant is pathogenic, but additional data are needed to prove that conclusively. Therefore, this variant has been classified as Likely Pathogenic.

Literature cited by the submitters: PubMed 27225849 (cited by Labcorp Genetics (formerly Invitae), Labcorp); PubMed 34536170 (cited by Labcorp Genetics (formerly Invitae), Labcorp).

NM_138694.4(PKHD1):c.10181G>A (p.Cys3394Tyr)

Gene: PKHD1 (PKHD1 ciliary IPT domain containing fibrocystin/polyductin; minus strand). Cytogenetic location: 6p12.3.
Variant type: single nucleotide variant.
Coding change: c.10181G>A on transcript NM_138694.4 (MANE Select); coding-DNA position 10181, G replaced by A.
Protein change: p.Cys3394Tyr; replaces cysteine 3394 with tyrosine.
Molecular consequence: missense variant.
Genome position (GRCh38, 1-based): chr6:51,659,945, C>T on the plus strand (G>A on the coding strand, the complement: PKHD1 is on the minus strand). VCF-style: chr6-51659945-C-T. GRCh37 (hg19) VCF-style: chr6-51524743-C-T.
Other names: short protein forms C3394Y.
Identifiers: ClinVar variation 1683398 (VCV001683398.7), dbSNP rs1772559884, ClinGen allele CA364437544.
Genomic context (GRCh38, chr6:51,659,945, plus strand): 5'-ATTAGGACCACTTGGTCAGTCTGTTTGCAGATGAATCCTTGCATCAGAAATTGGTATGTA[C>T]ATTTCTGTTCTTCTCTAAATGTACCTATAAAAGAAAAGAAGCAAAACAAGTGATATATGA-3'
Protein context (NP_619639.3, residues 3384-3404): NAGTFREEQK[Cys3394Tyr]TYQFLMQGFI